The following is an entry in ClinVar:

ClinVar aggregate classification (germline): Benign/Likely benign. Review status: criteria provided, multiple submitters, no conflicts (2 of 4 stars). 4 submissions from 4 submitters: Benign (1); Likely benign (3). Last evaluated 2025-10-23.

Conditions:
Hereditary cancer-predisposing syndrome. Also called: Hereditary neoplastic syndrome; Neoplastic Syndromes, Hereditary; Tumor predisposition; Hereditary Cancer Syndrome. Identifiers: Orphanet 140162, MedGen C0027672, MeSH D009386, MONDO:0015356.
Familial cancer of breast. Also called: BREAST CANCER, FAMILIAL; Hereditary breast cancer; hereditary breast carcinoma. Identifiers: Orphanet 227535, MedGen C0346153, MONDO:0016419, OMIM 114480. Disease mechanism: loss of function.
Ataxia-telangiectasia syndrome (AT). Also called: LOUIS-BAR SYNDROME; Cerebello-oculocutaneous telangiectasia; Immunodeficiency with ataxia telangiectasia; AT, COMPLEMENTATION GROUP C; Ataxia-telangiectasia, complementation group D; ATAXIA-TELANGIECTASIA, COMPLEMENTATION GROUP A. Identifiers: Orphanet 100, MedGen C0004135, MONDO:0008840, OMIM 208900.

Allele frequency attached by ClinVar (database versions not stated): gnomAD exomes below 0.00001 and 0.00001; ExAC 0.00003.
gnomAD v4.1: 4 of 1,607,286 alleles (0.00025%); highest among the groups gnomAD compares: Admixed American, 0.005%; no homozygotes.

Submissions (4):

Labcorp Genetics (formerly Invitae), Labcorp
Classification: Likely benign for Ataxia-telangiectasia syndrome. Last evaluated: 2025-10-23. Review status: criteria provided, single submitter. Criteria: Invitae Variant Classification Sherloc (09022015). Collection method: clinical testing. Allele origin: germline.

Myriad Genetics, Inc.
Classification: Benign for Familial cancer of breast. Last evaluated: 2024-05-02. Review status: criteria provided, single submitter. Criteria: Myriad Autosomal Dominant, Autosomal Recessive and X-Linked Classification Criteria (2023). Collection method: clinical testing. Allele origin: unknown.
Comment: This variant is considered benign. This variant is a silent/synonymous amino acid change and it is not expected to impact splicing.

GeneDx
Classification: Likely benign. Last evaluated: 2020-12-23. Review status: criteria provided, single submitter. Criteria: GeneDx Variant Classification Process June 2021. Collection method: clinical testing. Allele origin: germline. Affected: yes.

Ambry Genetics
Classification: Likely benign for Hereditary cancer-predisposing syndrome. Last evaluated: 2017-02-27. Review status: criteria provided, single submitter. Criteria: Ambry Variant Classification Scheme 2023. Collection method: clinical testing. Allele origin: germline.

NM_000051.4(ATM):c.1893A>G (p.Pro631=)

Gene: ATM (ATM serine/threonine kinase; plus strand). Cytogenetic location: 11q22.3.
Variant type: single nucleotide variant.
Coding change: c.1893A>G on transcript NM_000051.4 (MANE Select); coding-DNA position 1893, A replaced by G.
Protein change: p.Pro631=; no amino-acid change (proline 631 retained).
Molecular consequence: synonymous variant.
Genome position (GRCh38, 1-based): chr11:108,252,907, A>G. VCF-style: chr11-108252907-A-G. GRCh37 (hg19) VCF-style: chr11-108123634-A-G.
Other names: c.1893A>G, p.Pro631= (NM_001351834.2).
Identifiers: ClinVar variation 485222 (VCV000485222.17), dbSNP rs764702196, ClinGen allele CA6264895.
Genomic context (GRCh38, chr11:108,252,907, plus strand): 5'-TCTTGTGAGTCTCACTATGAAAAACTGTAAAGCTGCAATGAATTTTTTCCAAAGCGTGCC[A>G]GAATGGTATGTTATCTAATAATGCTCTTTATCATTTTAAGCTATAGCTTTAATTACAAAG-3'
Protein context (NP_000042.3, residues 621-641): KAAMNFFQSV[Pro631=]ECEHHQKDKE